The following is an entry in ClinVar:

ClinVar aggregate classification (germline): Uncertain significance (1 of 4 stars; one submission).

Conditions:
Hereditary cancer-predisposing syndrome. Also called: Neoplastic Syndromes, Hereditary; Tumor predisposition; Hereditary Cancer Syndrome; Hereditary neoplastic syndrome. Identifiers: Orphanet 140162, MedGen C0027672, MeSH D009386, MONDO:0015356.

Submission:

Ambry Genetics
Classification: Uncertain significance for Hereditary cancer-predisposing syndrome. Last evaluated: 2025-10-25. Review status: criteria provided, single submitter. Criteria: Ambry Variant Classification Scheme 2023. Collection method: clinical testing. Allele origin: germline.
Comment: The p.S454F variant (also known as c.1361C>T), located in coding exon 10 of the NBN gene, results from a C to T substitution at nucleotide position 1361. The serine at codon 454 is replaced by phenylalanine, an amino acid with highly dissimilar properties. This amino acid position is conserved. In addition, this alteration is predicted to be tolerated by in silico analysis. Based on the available evidence, the clinical significance of this variant remains unclear.

NM_002485.5(NBN):c.1361C>T (p.Ser454Phe)

Gene: NBN (nibrin; minus strand). Cytogenetic location: 8q21.3.
Variant type: single nucleotide variant.
Coding change: c.1361C>T on transcript NM_002485.5 (MANE Select); coding-DNA position 1361, C replaced by T.
Protein change: p.Ser454Phe; replaces serine 454 with phenylalanine.
Molecular consequence: missense variant.
Genome position (GRCh38, 1-based): chr8:89,955,319, G>A on the plus strand (C>T on the coding strand, the complement: NBN is on the minus strand). VCF-style: chr8-89955319-G-A. GRCh37 (hg19) VCF-style: chr8-90967547-G-A.
Other names: c.1115C>T, p.Ser372Phe (NM_001024688.3, NM_001440379.1, NM_001440380.1); short protein forms S454F, S372F.
Identifiers: ClinVar variation 4659962 (VCV004659962.1).
Genomic context (GRCh38, chr8:89,955,319, plus strand): 5'-TGAGAGAAGTTATCAAAAACAGACCTTTTTTTGGTAGACGGCTGAAAGTAGTTTCTGATG[G>A]AGTTGGTCTGCTGCTGCTGAGAAGCCCTATCTTTACTTTTATTTATACTTGGCAATTTAG-3'
Protein context (NP_002476.2, residues 444-464): DRASQQQQTN[Ser454Phe]IRNYFQPSTK